The following is an entry in ClinVar:

NM_001042492.3(NF1):c.6642+31T>G

Gene: NF1 (neurofibromin 1; plus strand). Cytogenetic location: 17q11.2.
Variant type: single nucleotide variant.
Coding change: c.6642+31T>G on transcript NM_001042492.3 (MANE Select); 31 bases into the intron after coding-DNA position 6642, T replaced by G.
Molecular consequence: intron variant.
Genome position (GRCh38, 1-based): chr17:31,337,613, T>G. VCF-style: chr17-31337613-T-G. GRCh37 (hg19) VCF-style: chr17-29664631-T-G.
Other names: c.6642+31T>G (NM_001042492.2); c.6579+31T>G (NM_000267.4).
Identifiers: ClinVar variation 1754265 (VCV001754265.7), dbSNP rs2151556799, ClinGen allele CA2580093425.

ClinVar aggregate classification (germline): Pathogenic/Likely pathogenic. Review status: criteria provided, multiple submitters, no conflicts (2 of 4 stars). 5 submissions from 5 submitters: Pathogenic (2); Likely pathogenic (2). 1 of the submissions does not count toward it. Last evaluated 2026-06-22.

Conditions:
Cardiovascular phenotype. Identifiers: MedGen CN230736.
Hereditary cancer-predisposing syndrome. Also called: Hereditary Cancer Syndrome; Hereditary neoplastic syndrome; Neoplastic Syndromes, Hereditary; Tumor predisposition. Identifiers: Orphanet 140162, MedGen C0027672, MeSH D009386, MONDO:0015356.
NF1-related disorder. Also called: NF1-related condition. Identifiers: MedGen CN379171.

Submissions (5):

GeneDx
Classification: Pathogenic. Last evaluated: 2026-06-22. Review status: criteria provided, single submitter. Criteria: GeneDx Variant Classification Process June 2021. Collection method: clinical testing. Allele origin: germline.
Comment: Not observed at significant frequency in large population cohorts (gnomAD); This variant is associated with the following publications: (PMID: 37186028, 34782607)

Dasa
Classification: Pathogenic. Last evaluated: 2026-01-13. Review status: criteria provided, single submitter. Criteria: DASA Assertion Criteria. Collection method: clinical testing. Allele origin: germline.
Comment: NM_001042492.3(NF1):c.6642+31T>G introduces a premature termination codon predicted to result in loss of normal protein function. Loss-of-function is an established mechanism of disease for this gene. Functional evidence supports a deleterious effect on the gene or gene product (PMID: 34782607). This variant has been reported in individuals with related phenotype (PMID: 34782607). The variant is present at low frequency in population datasets. Based on the available data, this variant is classified as pathogenic.

Ambry Genetics
Classification: Likely pathogenic for Cardiovascular phenotype; Hereditary cancer-predisposing syndrome. Last evaluated: 2021-03-18. Review status: criteria provided, single submitter. Criteria: Ambry Variant Classification Scheme 2023. Collection method: clinical testing. Allele origin: germline.
Comment: The c.6579+31T>G intronic variant results from a T to G substitution 31 nucleotides after coding exon 42 in the NF1 gene. In silico splice site analysis predicts that this alteration will weaken the native splice donor site and will result in the creation or strengthening of a novel splice donor site. RNA studies have demonstrated that this alteration results in abnormal splicing in the set of samples tested (Ambry internal data). In addition, this variant was not reported in population-based cohorts in the Genome Aggregation Database (gnomAD). Based on the majority of available evidence to date, this variant is likely to be pathogenic.

Blueprint Genetics
Classification: Likely pathogenic for NF1-related disorders. Last evaluated: 2018-12-12. Review status: criteria provided, single submitter. Criteria: ACMG Guidelines, 2015. Collection method: clinical testing. Allele origin: germline. Affected: yes. Observed: 1 variant allele.

PreventionGenetics, part of Exact Sciences
Classification: Likely pathogenic for NF1-related condition. Last evaluated: 2024-03-27. Review status: no assertion criteria provided. Collection method: clinical testing. Allele origin: germline. Not counted in ClinVar's aggregate classification.
Comment: The NF1 c.6642+31T>G variant is predicted to interfere with splicing. This variant was reported in an individual with neurofibromatosis type 1 and RT-PCR studies showed that this variant resulted in an extension of 30-bp intronic sequence into the aberrant transcript (described as c.6579+31T>G, Koster et al. 2021. PubMed ID: 34782607). This variant has not been reported in a large population database, indicating this variant is rare. This variant is interpreted as likely pathogenic.

Literature cited by the submitters: PubMed 34782607 (cited by Dasa).